The following is an entry in ClinVar:

NM_002303.6(LEPR):c.2724T>C (p.Cys908=)

Gene: LEPR (leptin receptor; plus strand). Cytogenetic location: 1p31.3.
Variant type: single nucleotide variant.
Coding change: c.2724T>C on transcript NM_002303.6 (MANE Select); coding-DNA position 2724, T replaced by C.
Protein change: p.Cys908=; no amino-acid change (cysteine 908 retained).
Molecular consequence: synonymous variant.
Genome position (GRCh38, 1-based): chr1:65,636,241, T>C. VCF-style: chr1-65636241-T-C. GRCh37 (hg19) VCF-style: chr1-66101924-T-C.
Identifiers: ClinVar variation 1920823 (VCV001920823.7), dbSNP rs1259865794, ClinGen allele CA418228329.

ClinVar aggregate classification (germline): Likely benign. Review status: criteria provided, single submitter (1 of 4 stars). 2 submissions from 2 submitters: Likely benign (1). 1 of the submissions does not count toward it. Last evaluated 2023-12-21.

Conditions:
LEPR-related disorder. Also called: LEPR-related disorders; LEPR-related condition.

Allele frequency attached by ClinVar (database versions not stated): gnomAD exomes 0.00001; TOPMed 0.00001.
gnomAD v4.1: 3 of 1,614,024 alleles (0.00019%); highest among the groups gnomAD compares: Admixed American, 0.005%; no homozygotes.

Submissions (2):

Labcorp Genetics (formerly Invitae), Labcorp
Classification: Likely benign. Last evaluated: 2023-12-21. Review status: criteria provided, single submitter. Criteria: Invitae Variant Classification Sherloc (09022015). Collection method: clinical testing. Allele origin: germline.

PreventionGenetics, part of Exact Sciences
Classification: Likely benign for LEPR-related condition. Last evaluated: 2019-10-21. Review status: no assertion criteria provided. Collection method: clinical testing. Allele origin: germline. Not counted in ClinVar's aggregate classification.
Comment: This variant is classified as likely benign based on ACMG/AMP sequence variant interpretation guidelines (Richards et al. 2015 PMID: 25741868, with internal and published modifications).